The following is an entry in ClinVar:

ClinVar aggregate classification (germline): Uncertain significance (1 of 4 stars; one submission).

Conditions:
Glycogen storage disease due to lactate dehydrogenase M-subunit deficiency (GSD11). Also called: Glycogen storage disease XI; GSD XI; LACTATE DEHYDROGENASE A DEFICIENCY. Identifiers: Orphanet 284426, MedGen C2931743, MONDO:0013047, OMIM 612933.

Allele frequency attached by ClinVar (database versions not stated): gnomAD 0.00001 and 0.00003; TOPMed 0.00003; gnomAD exomes 0.00002 and 0.00007; ESP Exome Variant Server 0.00008; ExAC 0.00006.
gnomAD v4.1: 36 of 1,613,906 alleles (0.0022%); highest among the groups gnomAD compares: Middle Eastern, 0.033%; no homozygotes.

Submission:

Labcorp Genetics (formerly Invitae), Labcorp
Classification: Uncertain significance for Glycogen storage disease due to lactate dehydrogenase M-subunit deficiency. Last evaluated: 2024-04-15. Review status: criteria provided, single submitter. Criteria: Invitae Variant Classification Sherloc (09022015). Collection method: clinical testing. Allele origin: germline.
Comment: This sequence change replaces arginine, which is basic and polar, with histidine, which is basic and polar, at codon 315 of the LDHA protein (p.Arg315His). The frequency data for this variant in the population databases is considered unreliable, as metrics indicate poor data quality at this position in the gnomAD database. This variant has not been reported in the literature in individuals affected with LDHA-related conditions. ClinVar contains an entry for this variant (Variation ID: 1006351). Advanced modeling of protein sequence and biophysical properties (such as structural, functional, and spatial information, amino acid conservation, physicochemical variation, residue mobility, and thermodynamic stability) performed at Invitae indicates that this missense variant is not expected to disrupt LDHA protein function with a negative predictive value of 80%. In summary, the available evidence is currently insufficient to determine the role of this variant in disease. Therefore, it has been classified as a Variant of Uncertain Significance.

NM_005566.4(LDHA):c.944G>A (p.Arg315His)

Gene: LDHA (lactate dehydrogenase A; plus strand). Cytogenetic location: 11p15.1.
Variant type: single nucleotide variant.
Coding change: c.944G>A on transcript NM_005566.4 (MANE Select); coding-DNA position 944, G replaced by A.
Protein change: p.Arg315His; replaces arginine 315 with histidine.
Molecular consequence: missense variant. On other transcripts: 3 prime UTR variant (1), non-coding transcript variant (1), intron variant (1).
Genome position (GRCh38, 1-based): chr11:18,407,226, G>A. VCF-style: chr11-18407226-G-A. GRCh37 (hg19) VCF-style: chr11-18428773-G-A.
Other names: c.770G>A, p.Arg257His (NM_001135239.2); c.1031G>A, p.Arg344His (NM_001165414.2); c.*94G>A (NM_001165416.2); c.688-13G>A (NM_001165415.2); short protein forms R257H, R315H, R344H.
Identifiers: ClinVar variation 1006351 (VCV001006351.8), dbSNP rs140090654, ClinGen allele CA5911441.